The following is an entry in ClinVar:

NM_020843.4(SCAPER):c.1A>G (p.Met1Val)

Gene: SCAPER (S-phase cyclin A associated protein in the ER; minus strand). Cytogenetic location: 15q24.3.
Variant type: single nucleotide variant.
Coding change: c.1A>G on transcript NM_020843.4 (MANE Select); coding-DNA position 1, A replaced by G.
Protein change: p.Met1Val; changes the start codon (methionine 1).
Molecular consequence: missense variant, initiator codon variant. On other transcripts: 5 prime UTR variant (3), non-coding transcript variant (1).
Genome position (GRCh38, 1-based): chr15:76,883,817, T>C on the plus strand (A>G on the coding strand, the complement: SCAPER is on the minus strand). VCF-style: chr15-76883817-T-C. GRCh37 (hg19) VCF-style: chr15-77176158-T-C.
Other names: c.1A>G, p.Met1Val (NM_001353009.2); c.-457A>G (NM_001353010.2); c.-520A>G (NM_001353011.2); c.-490A>G (NM_001353012.2); c.1A>G (NM_001353009.1); short protein forms M1V.
Identifiers: ClinVar variation 1327986 (VCV001327986.6), dbSNP rs3812908, ClinGen allele CA7675322.

ClinVar aggregate classification (germline): Benign. Review status: criteria provided, multiple submitters, no conflicts (2 of 4 stars). 3 submissions from 3 submitters: Benign (2). 1 of the submissions does not count toward it. Last evaluated 2021-11-07.

Conditions:
Intellectual developmental disorder and retinitis pigmentosa; IDDRP. Also called: INTELLECTUAL DEVELOPMENTAL DISORDER AND RETINITIS PIGMENTOSA. Identifiers: MedGen C4748658, MONDO:0032594, OMIM 618195.
SCAPER-related disorder. Also called: SCAPER-related condition.

Allele frequency attached by ClinVar (database versions not stated): ESP Exome Variant Server 0.29627; gnomAD exomes 0.29647 and 0.30905; gnomAD 0.32136 and 0.32997; TOPMed 0.32892; ExAC 0.40357; 1000 Genomes Project 30x 0.41099; 1000 Genomes Project 0.41773.

Submissions (3):

Genome-Nilou Lab
Classification: Benign for Intellectual developmental disorder and retinitis pigmentosa; IDDRP. Last evaluated: 2021-11-07. Review status: criteria provided, single submitter. Criteria: ACMG Guidelines, 2015. Collection method: clinical testing. Allele origin: germline. Affected: no.

Breakthrough Genomics
Classification: Benign. Review status: criteria provided, single submitter. Criteria: ACMG Guidelines, 2015. Collection method: not provided. Allele origin: germline. Inheritance: Autosomal recessive inheritance. Affected: yes.

PreventionGenetics, part of Exact Sciences
Classification: Benign for SCAPER-related condition. Last evaluated: 2019-10-17. Review status: no assertion criteria provided. Collection method: clinical testing. Allele origin: germline. Not counted in ClinVar's aggregate classification.
Comment: This variant is classified as benign based on ACMG/AMP sequence variant interpretation guidelines (Richards et al. 2015 PMID: 25741868, with internal and published modifications).